The following is an entry in ClinVar:

NM_016333.4(SRRM2):c.2128C>A (p.Arg710Ser)

Gene: SRRM2 (serine/arginine repetitive matrix 2; plus strand). Cytogenetic location: 16p13.3.
Variant type: single nucleotide variant.
Coding change: c.2128C>A on transcript NM_016333.4 (MANE Select); coding-DNA position 2128, C replaced by A.
Protein change: p.Arg710Ser; replaces arginine 710 with serine.
Molecular consequence: missense variant.
Genome position (GRCh38, 1-based): chr16:2,762,656, C>A. VCF-style: chr16-2762656-C-A. GRCh37 (hg19) VCF-style: chr16-2812657-C-A.
Other names: short protein forms R710S.
Identifiers: ClinVar variation 2692436 (VCV002692436.1), dbSNP rs760251553, ClinGen allele CA394410628.

ClinVar aggregate classification (germline): Uncertain significance (1 of 4 stars; one submission).

Submission:

Greenwood Genetic Center Diagnostic Laboratories, Greenwood Genetic Center
Classification: Uncertain significance. Last evaluated: 2023-11-02. Review status: criteria provided, single submitter. Criteria: ACMG Guidelines, 2015. Collection method: clinical testing. Allele origin: germline. Affected: yes.
Comment: PM2